The following is an entry in ClinVar:

NM_001004356.3(FGFRL1):c.502G>A (p.Val168Met)

Gene: FGFRL1 (fibroblast growth factor receptor like 1; plus strand). Cytogenetic location: 4p16.3.
Variant type: single nucleotide variant.
Coding change: c.502G>A on transcript NM_001004356.3 (MANE Select); coding-DNA position 502, G replaced by A.
Protein change: p.Val168Met; replaces valine 168 with methionine.
Molecular consequence: missense variant.
Genome position (GRCh38, 1-based): chr4:1,023,885, G>A. VCF-style: chr4-1023885-G-A. GRCh37 (hg19) VCF-style: chr4-1017673-G-A.
Other names: c.502G>A (NM_001004356.2); c.502G>A, p.Val168Met (NM_001004358.1, NM_001370296.1, NM_021923.3); short protein forms V168M.
Identifiers: ClinVar variation 2170491 (VCV002170491.5), dbSNP rs778281827, ClinGen allele CA2802750.

ClinVar aggregate classification (germline): Uncertain significance. Review status: criteria provided, multiple submitters, no conflicts (2 of 4 stars). 2 submissions from 2 submitters: Uncertain significance (2). Last evaluated 2025-04-18.

Allele frequency attached by ClinVar (database versions not stated): gnomAD 0.00001; TOPMed 0.00001; ExAC 0.00005.
gnomAD v4.1: 10 of 1,581,928 alleles (0.00063%); highest among the groups gnomAD compares: Admixed American, 0.007%; no homozygotes.

Submissions (2):

Ambry Genetics
Classification: Uncertain significance. Last evaluated: 2025-04-18. Review status: criteria provided, single submitter. Criteria: Ambry Variant Classification Scheme 2023. Collection method: clinical testing. Allele origin: germline.

Labcorp Genetics (formerly Invitae), Labcorp
Classification: Uncertain significance. Last evaluated: 2022-05-25. Review status: criteria provided, single submitter. Criteria: Invitae Variant Classification Sherloc (09022015). Collection method: clinical testing. Allele origin: germline.
Comment: In summary, the available evidence is currently insufficient to determine the role of this variant in disease. Therefore, it has been classified as a Variant of Uncertain Significance. Algorithms developed to predict the effect of missense changes on protein structure and function are either unavailable or do not agree on the potential impact of this missense change (SIFT: "Deleterious"; PolyPhen-2: "Probably Damaging"; Align-GVGD: "Class C0"). This variant has not been reported in the literature in individuals affected with FGFRL1-related conditions. The frequency data for this variant in the population databases is considered unreliable, as metrics indicate poor data quality at this position in the gnomAD database. This sequence change replaces valine, which is neutral and non-polar, with methionine, which is neutral and non-polar, at codon 168 of the FGFRL1 protein (p.Val168Met).